The following is an entry in ClinVar:

ClinVar aggregate classification (germline): Benign/Likely benign. Review status: criteria provided, multiple submitters, no conflicts (2 of 4 stars). 3 submissions from 3 submitters: Benign (1); Likely benign (2). Last evaluated 2024-08-21.

Conditions:
Familial cancer of breast. Also called: Hereditary breast cancer; BREAST CANCER, FAMILIAL; hereditary breast carcinoma. Identifiers: Orphanet 227535, MedGen C0346153, MONDO:0016419, OMIM 114480. Disease mechanism: loss of function.
Hereditary cancer-predisposing syndrome. Also called: Tumor predisposition; Hereditary Cancer Syndrome; Neoplastic Syndromes, Hereditary; Hereditary neoplastic syndrome. Identifiers: Orphanet 140162, MedGen C0027672, MeSH D009386, MONDO:0015356.
Fanconi anemia complementation group J. Also called: BRIP1-Related Fanconi Anemia. Identifiers: Orphanet 84, MedGen C1836860, MONDO:0012187, OMIM 609054.

Allele frequency attached by ClinVar (database versions not stated): gnomAD exomes below 0.00001.
gnomAD v4.1: 1 of 1,614,076 alleles (0.000062%); highest among the groups gnomAD compares: Non-Finnish European, 0.000085%; no homozygotes.

Submissions (3):

Myriad Genetics, Inc.
Classification: Benign for Familial cancer of breast. Last evaluated: 2024-08-21. Review status: criteria provided, single submitter. Criteria: Myriad Autosomal Dominant, Autosomal Recessive and X-Linked Classification Criteria (2023). Collection method: clinical testing. Allele origin: unknown.
Comment: This variant is considered benign. This variant is a silent/synonymous amino acid change and it is not expected to impact splicing.

Labcorp Genetics (formerly Invitae), Labcorp
Classification: Likely benign for Familial cancer of breast; Fanconi anemia complementation group J. Last evaluated: 2021-11-26. Review status: criteria provided, single submitter. Criteria: Invitae Variant Classification Sherloc (09022015). Collection method: clinical testing. Allele origin: germline.

Ambry Genetics
Classification: Likely benign for Hereditary cancer-predisposing syndrome. Last evaluated: 2021-06-06. Review status: criteria provided, single submitter. Criteria: Ambry Variant Classification Scheme 2023. Collection method: clinical testing. Allele origin: germline.

NM_032043.3(BRIP1):c.366A>G (p.Ser122=)

Gene: BRIP1 (BRCA1 interacting DNA helicase 1; minus strand). Cytogenetic location: 17q23.2.
Variant type: single nucleotide variant.
Coding change: c.366A>G on transcript NM_032043.3 (MANE Select); coding-DNA position 366, A replaced by G.
Protein change: p.Ser122=; no amino-acid change (serine 122 retained).
Molecular consequence: synonymous variant.
Genome position (GRCh38, 1-based): chr17:61,857,071, T>C on the plus strand (A>G on the coding strand, the complement: BRIP1 is on the minus strand). VCF-style: chr17-61857071-T-C. GRCh37 (hg19) VCF-style: chr17-59934432-T-C.
Identifiers: ClinVar variation 763587 (VCV000763587.13), dbSNP rs1603366194, ClinGen allele CA501151200.
Genomic context (GRCh38, chr17:61,857,071, plus strand): 5'-AGACTCTTATTACAGATATCAACTGACCCAGGCAAAATATAAATTACCTTGACAAGTTGA[T>C]GAAGTGCCATTTCTTTCAGAAGGTGGTGTGCTTGGATAGTTGAAATGACGTGAAGTTCCT-3'
Protein context (NP_114432.2, residues 112-132): STPPSERNGT[Ser122=]STCQDSPEKT